The following is an entry in ClinVar:

NM_004371.4(COPA):c.994A>G (p.Met332Val)

Gene: COPA (coat protein complex I subunit alpha; minus strand). Cytogenetic location: 1q23.2.
Variant type: single nucleotide variant.
Coding change: c.994A>G on transcript NM_004371.4 (MANE Select); coding-DNA position 994, A replaced by G.
Protein change: p.Met332Val; replaces methionine 332 with valine.
Molecular consequence: missense variant.
Genome position (GRCh38, 1-based): chr1:160,311,950, T>C on the plus strand (A>G on the coding strand, the complement: COPA is on the minus strand). VCF-style: chr1-160311950-T-C. GRCh37 (hg19) VCF-style: chr1-160281740-T-C.
Other names: c.994A>G, p.Met332Val (LRG_1336t1, NM_001098398.2); short protein forms M332V.
Identifiers: ClinVar variation 542646 (VCV000542646.17), dbSNP rs115066135, ClinGen allele CA1198234.

ClinVar aggregate classification (germline): Benign/Likely benign. Review status: criteria provided, multiple submitters, no conflicts (2 of 4 stars). 5 submissions from 5 submitters: Benign (2); Likely benign (2). 1 of the submissions does not count toward it. Last evaluated 2026-02-01.

Conditions:
Autoimmune interstitial lung disease-arthritis syndrome. Also called: Autoinflammation and autoimmunity, systemic, with immune dysregulation. Identifiers: Orphanet 444092, MedGen C5975714, MONDO:0014629.
COPA-related disorder. Also called: COPA-related condition.

Allele frequency attached by ClinVar (database versions not stated): gnomAD 0.00280; 1000 Genomes Project 0.00300; TOPMed 0.00300; ESP Exome Variant Server 0.00315; 1000 Genomes Project 30x 0.00344.
gnomAD v4.1: 890 of 1,614,080 alleles (0.055%); highest among the groups gnomAD compares: African/African-American, 1.1%; 4 homozygotes.

Submissions (5):

Labcorp Genetics (formerly Invitae), Labcorp
Classification: Benign for Autoimmune interstitial lung disease-arthritis syndrome. Last evaluated: 2026-02-01. Review status: criteria provided, single submitter. Criteria: Invitae Variant Classification Sherloc (09022015). Collection method: clinical testing. Allele origin: germline.

Women's Health and Genetics/Laboratory Corporation of America, LabCorp
Classification: Likely benign. Last evaluated: 2026-01-23. Review status: criteria provided, single submitter. Criteria: LabCorp Variant Classification Summary - May 2015. Collection method: clinical testing. Allele origin: germline.

Blueprint Genetics
Classification: Likely benign. Last evaluated: 2024-11-13. Review status: criteria provided, single submitter. Criteria: ACMG Guidelines, 2015. Collection method: clinical testing. Allele origin: germline.

Breakthrough Genomics
Classification: Benign. Review status: criteria provided, single submitter. Criteria: ACMG Guidelines, 2015. Collection method: not provided. Allele origin: germline. Inheritance: Autosomal dominant inheritance. Affected: yes.

PreventionGenetics, part of Exact Sciences
Classification: Benign for COPA-related condition. Last evaluated: 2019-07-11. Review status: no assertion criteria provided. Collection method: clinical testing. Allele origin: germline. Not counted in ClinVar's aggregate classification.
Comment: This variant is classified as benign based on ACMG/AMP sequence variant interpretation guidelines (Richards et al. 2015 PMID: 25741868, with internal and published modifications).